The following is an entry in ClinVar:

ClinVar aggregate classification (germline): Benign (1 of 4 stars; one submission).

Conditions:
Leigh syndrome (NULS). Also called: Leigh's necrotizing encephalopathy; Leigh's disease; Leigh Syndrome (mtDNA deletion); Leigh Disease; Subacute necrotizing encephalopathy; Necrotizing encephalopathy infantile subacute of Leigh. Identifiers: Orphanet 506, MedGen C2931891, MONDO:0009723, OMIM 256000.

Submission:

Wong Mito Lab, Molecular and Human Genetics, Baylor College of Medicine
Classification: Benign for Leigh syndrome. Last evaluated: 2019-10-17. Review status: criteria provided, single submitter. Criteria: Modified ACMG Guidelines (Unpublished). Collection method: clinical testing. Allele origin: germline.
Comment: The NC_012920.1:m.8582C>T (YP_003024031.1:p.Ala19Val) variant in MTATP6 gene is interpretated to be a Benign variant based on the modified ACMG guidelines (unpublished). This variant meets the following evidence codes: BS1, BS2

NC_012920.1(MT-ATP6):m.8582C>T

Gene: MT-ATP6 (mitochondrially encoded ATP synthase 6; plus strand).
Variant type: single nucleotide variant.
Genome position: chrM-8582-C-T.
Identifiers: ClinVar variation 692912 (VCV000692912.1), dbSNP rs1556423493, ClinGen allele CA414796803.